The following is an entry in ClinVar:

ClinVar aggregate classification (germline): Uncertain significance (1 of 4 stars; one submission).

Conditions:
PTPRS-related disorder. Also called: PTPRS-related condition.

gnomAD v4.1: 12 of 1,613,888 alleles (0.00074%); highest among the groups gnomAD compares: East Asian, 0.0022%; no homozygotes.

Submission:

PreventionGenetics, part of Exact Sciences
Classification: Uncertain significance for PTPRS-related condition. Last evaluated: 2025-07-24. Review status: criteria provided, single submitter. Criteria: ACMG Guidelines, 2015. Collection method: clinical testing. Allele origin: germline.
Comment: The PTPRS c.548G>A variant is predicted to result in the amino acid substitution p.Arg183His. To our knowledge, this variant has not been reported in the literature. This variant is reported in 0.0026% of alleles in individuals of European (Non-Finnish) descent in gnomAD. At this time, the clinical significance of this variant is uncertain due to the absence of conclusive functional and genetic evidence.

NM_002850.4(PTPRS):c.548G>A (p.Arg183His)

Gene: PTPRS (protein tyrosine phosphatase receptor type S; minus strand). Cytogenetic location: 19p13.3.
Variant type: single nucleotide variant.
Coding change: c.548G>A on transcript NM_002850.4 (MANE Select); coding-DNA position 548, G replaced by A.
Protein change: p.Arg183His; replaces arginine 183 with histidine.
Molecular consequence: missense variant.
Genome position (GRCh38, 1-based): chr19:5,265,028, C>T on the plus strand (G>A on the coding strand, the complement: PTPRS is on the minus strand). VCF-style: chr19-5265028-C-T. GRCh37 (hg19) VCF-style: chr19-5265039-C-T.
Other names: c.548G>A, p.Arg183His (NM_001394011.1, NM_001394012.1, NM_001394013.1 and 3 more transcripts); short protein forms R183H.
Identifiers: ClinVar variation 4988904 (VCV004988904.1).